The following is an entry in ClinVar:

NM_201253.3(CRB1):c.481del (p.Ala161fs)

Gene: CRB1 (crumbs cell polarity complex component 1; plus strand). Cytogenetic location: 1q31.3.
Variant type: Deletion.
Coding change: c.481del on transcript NM_201253.3 (MANE Select); coding-DNA position 481, one base deleted (G; older notation c.481delG).
Protein change: p.Ala161fs; shifts the reading frame from alanine 161.
Molecular consequence: frameshift variant. On other transcripts: non-coding transcript variant (2).
Genome position (GRCh38, 1-based): chr1:197,328,832, G deleted; the last of 4 consecutive G bases (chr1:197,328,829-197,328,832); deleting any one gives the same sequence. VCF-style (leftmost placement, unchanged base first): chr1-197328828-TG-T. GRCh37 (hg19) VCF-style: chr1-197297958-TG-T.
Other names: c.481del, p.Ala161fs (NM_001193640.2, NM_001257966.2); c.274del, p.Ala92fs (NM_001257965.2); short protein forms A161fs, A92fs.
Identifiers: ClinVar variation 856894 (VCV000856894.7), dbSNP rs62635048, ClinGen allele CA916082096.

ClinVar aggregate classification (germline): Pathogenic (1 of 4 stars; one submission).

Conditions:
Leber congenital amaurosis 8 (LCA8). Identifiers: Orphanet 65, MedGen C3151202, MONDO:0013453, OMIM 613835.
Retinitis pigmentosa 12 (RP12). Also called: RP WITH OR WITHOUT PPRPE; RP WITH OR WITHOUT PRESERVED PARAARTERIOLE RETINAL PIGMENT EPITHELIUM; RETINITIS PIGMENTOSA WITH OR WITHOUT PARAARTERIOLAR PRESERVATION OF RETINAL PIGMENT EPITHELIUM. Identifiers: Orphanet 791, MedGen C1838647, MONDO:0010818, OMIM 600105.

Submission:

Labcorp Genetics (formerly Invitae), Labcorp
Classification: Pathogenic for Leber congenital amaurosis 8; Retinitis pigmentosa 12. Last evaluated: 2022-07-26. Review status: criteria provided, single submitter. Criteria: Invitae Variant Classification Sherloc (09022015). Collection method: clinical testing. Allele origin: germline.
Comment: This sequence change creates a premature translational stop signal (p.Ala161Profs*45) in the CRB1 gene. It is expected to result in an absent or disrupted protein product. Loss-of-function variants in CRB1 are known to be pathogenic (PMID: 10508521, 22065545, 23379534, 25412400, 26957898, 28041643, 29391521). This variant is not present in population databases (gnomAD no frequency). This variant has not been reported in the literature in individuals affected with CRB1-related conditions. ClinVar contains an entry for this variant (Variation ID: 856894). For these reasons, this variant has been classified as Pathogenic.

Literature cited by the submitters: PubMed 10508521; PubMed 22065545; PubMed 23379534; PubMed 25412400; PubMed 26957898; PubMed 28041643; PubMed 29391521.